The following is an entry in ClinVar:

NM_177986.5(DSG4):c.1128T>C (p.Val376=)

Genes: DSG1-AS1 (DSG1 antisense RNA 1; minus strand), DSG4 (desmoglein 4; plus strand). Cytogenetic location: 18q12.1.
Variant type: single nucleotide variant.
Coding change: c.1128T>C on transcript NM_177986.5 (MANE Select); coding-DNA position 1128, T replaced by C.
Protein change: p.Val376=; no amino-acid change (valine 376 retained).
Molecular consequence: synonymous variant.
Genome position (GRCh38, 1-based): chr18:31,399,394, T>C. VCF-style: chr18-31399394-T-C. GRCh37 (hg19) VCF-style: chr18-28979357-T-C.
Other names: c.1128T>C, p.Val376= (NM_001134453.3).
Identifiers: ClinVar variation 711703 (VCV000711703.36), dbSNP rs143590546, ClinGen allele CA8926916.

ClinVar aggregate classification (germline): Conflicting classifications of pathogenicity. Review status: criteria provided, conflicting classifications (1 of 4 stars). 3 submissions from 3 submitters: Uncertain significance (1); Benign (1); Likely benign (1). Last evaluated 2025-12-20.

Conditions:
Hypotrichosis 6 (HYPT6). Also called: HYPOTRICHOSIS, LOCALIZED, AUTOSOMAL RECESSIVE 1; MONILETHRIX-LIKE HYPOTRICHOSIS. Identifiers: Orphanet 55654, MedGen C1842839, MONDO:0011932, OMIM 607903.

Allele frequency attached by ClinVar (database versions not stated): gnomAD 0.00134; ESP Exome Variant Server 0.00208; TOPMed 0.00228; 1000 Genomes Project 0.00080; 1000 Genomes Project 30x 0.00094.
gnomAD v4.1: 3,551 of 1,614,126 alleles (0.22%); highest among the groups gnomAD compares: Admixed American, 0.57%; 14 homozygotes.

Submissions (3):

Labcorp Genetics (formerly Invitae), Labcorp
Classification: Benign. Last evaluated: 2025-12-20. Review status: criteria provided, single submitter. Criteria: Invitae Variant Classification Sherloc (09022015). Collection method: clinical testing. Allele origin: germline.

CeGaT Center for Human Genetics Tuebingen
Classification: Likely benign. Last evaluated: 2023-02-01. Review status: criteria provided, single submitter. Criteria: CeGaT Center For Human Genetics Tuebingen Variant Classification Criteria Version 2. Collection method: clinical testing. Allele origin: germline. Affected: yes. Observed: 1 variant allele.
Comment: DSG4: BP4, BS2

Illumina Laboratory Services, Illumina
Classification: Uncertain significance for Hypotrichosis 6. Last evaluated: 2018-01-12. Review status: criteria provided, single submitter. Criteria: ICSL Variant Classification Criteria 13 December 2019. Collection method: clinical testing. Allele origin: germline.